The following is an entry in ClinVar:

NM_198578.4(LRRK2):c.3417C>G (p.Asn1139Lys)

Gene: LRRK2 (leucine rich repeat kinase 2; plus strand). Cytogenetic location: 12q12.
Variant type: single nucleotide variant.
Coding change: c.3417C>G on transcript NM_198578.4 (MANE Select); coding-DNA position 3417, C replaced by G.
Protein change: p.Asn1139Lys; replaces asparagine 1139 with lysine.
Molecular consequence: missense variant.
Genome position (GRCh38, 1-based): chr12:40,299,178, C>G. VCF-style: chr12-40299178-C-G. GRCh37 (hg19) VCF-style: chr12-40692980-C-G.
Other names: short protein forms N1139K.
Identifiers: ClinVar variation 3229610 (VCV003229610.1), dbSNP rs779085159, ClinGen allele CA6513895.
Genomic context (GRCh38, chr12:40,299,178, plus strand): 5'-ATCAGGGATATGCTCCCCCTTGAGACTGAAGGAACTGAAGATTTTAAACCTTAGTAAGAA[C>G]CACATTTCATCCCTATCAGAGAACTTTCTTGAGGCTTGTCCTAAAGTGGAGAGTTTCAGT-3'
Protein context (NP_940980.4, residues 1129-1149): KELKILNLSK[Asn1139Lys]HISSLSENFL

ClinVar aggregate classification (germline): Uncertain significance (1 of 4 stars; one submission).

Conditions:
Inborn genetic diseases. Identifiers: MedGen C0950123, MeSH D030342.

gnomAD v4.1: 1 of 1,613,420 alleles (0.000062%); highest among the groups gnomAD compares: Non-Finnish European, 0.000085%; no homozygotes.

Submission:

Ambry Genetics
Classification: Uncertain significance for Inborn genetic diseases. Last evaluated: 2024-03-10. Review status: criteria provided, single submitter. Criteria: Ambry Variant Classification Scheme 2023. Collection method: clinical testing. Allele origin: germline.
Comment: The p.N1139K variant (also known as c.3417C>G), located in coding exon 25 of the LRRK2 gene, results from a C to G substitution at nucleotide position 3417. The asparagine at codon 1139 is replaced by lysine, an amino acid with similar properties. This amino acid position is conserved. In addition, this alteration is predicted to be tolerated by in silico analysis. Based on the available evidence, the clinical significance of this alteration remains unclear.